The following is an entry in ClinVar:

NM_001261826.3(AP3D1):c.748C>G (p.Pro250Ala)

Gene: AP3D1 (adaptor related protein complex 3 subunit delta 1; minus strand). Cytogenetic location: 19p13.3.
Variant type: single nucleotide variant.
Coding change: c.748C>G on transcript NM_001261826.3 (MANE Select); coding-DNA position 748, C replaced by G.
Protein change: p.Pro250Ala; replaces proline 250 with alanine.
Molecular consequence: missense variant.
Genome position (GRCh38, 1-based): chr19:2,129,148, G>C on the plus strand (C>G on the coding strand, the complement: AP3D1 is on the minus strand). VCF-style: chr19-2129148-G-C. GRCh37 (hg19) VCF-style: chr19-2129147-G-C.
Other names: c.748C>G, p.Pro250Ala (NM_001374799.1, NM_003938.8); short protein forms P250A.
Identifiers: ClinVar variation 1417722 (VCV001417722.8), dbSNP rs2018860296, ClinGen allele CA403226661.
Genomic context (GRCh38, chr19:2,129,148, plus strand): 5'-ACCTGTGGATGAGATTGGTGAGGGGCTCGATCAGCTTCTTGCCCAGCCGCGGTTCCAAAG[G>C]AGTAAGAGCACCGAACTGTGGGGACAGCAGGGCCTCGGTCACCCGCAGGGAATGCCCCAC-3'
Protein context (NP_001248755.1, residues 240-260): KIIKLFGALT[Pro250Ala]LEPRLGKKLI

ClinVar aggregate classification (germline): Uncertain significance (1 of 4 stars; one submission).

Submission:

Labcorp Genetics (formerly Invitae), Labcorp
Classification: Uncertain significance. Last evaluated: 2021-05-19. Review status: criteria provided, single submitter. Criteria: Invitae Variant Classification Sherloc (09022015). Collection method: clinical testing. Allele origin: germline.
Comment: In summary, the available evidence is currently insufficient to determine the role of this variant in disease. Therefore, it has been classified as a Variant of Uncertain Significance. Algorithms developed to predict the effect of missense changes on protein structure and function are either unavailable or do not agree on the potential impact of this missense change (SIFT: "Tolerated"; PolyPhen-2: "Probably Damaging"; Align-GVGD: "Class C0"). This variant has not been reported in the literature in individuals with AP3D1-related conditions. This variant is not present in population databases (ExAC no frequency). This sequence change replaces proline with alanine at codon 250 of the AP3D1 protein (p.Pro250Ala). The proline residue is highly conserved and there is a small physicochemical difference between proline and alanine.